The following is an entry in ClinVar:

NM_005159.5(ACTC1):c.500T>G (p.Ile167Ser)

Genes: ACTC1 (actin alpha cardiac muscle 1; minus strand), GJD2-DT (GJD2 divergent transcript; plus strand). Cytogenetic location: 15q14.
Variant type: single nucleotide variant.
Coding change: c.500T>G on transcript NM_005159.5 (MANE Select); coding-DNA position 500, T replaced by G.
Protein change: p.Ile167Ser; replaces isoleucine 167 with serine.
Molecular consequence: missense variant.
Genome position (GRCh38, 1-based): chr15:34,792,524, A>C on the plus strand (T>G on the coding strand, the complement: ACTC1 is on the minus strand). VCF-style: chr15-34792524-A-C. GRCh37 (hg19) VCF-style: chr15-35084725-A-C.
Other names: short protein forms I167S.
Identifiers: ClinVar variation 1040936 (VCV001040936.9), dbSNP rs730880409, ClinGen allele CA391631096.
Genomic context (GRCh38, chr15:34,792,524, plus strand): 5'-AGGTCCCGACCAGCCAGATCCAGACGCATGATGGCATGGGGCAAAGCGTAGCCCTCATAG[A>C]TGGGGACATTGTGAGTTACACCATCCCCAGAGTCCAGAACAATGCCTGCCCGGGGAAGTA-3'
Protein context (NP_005150.1, residues 157-177): SGDGVTHNVP[Ile167Ser]YEGYALPHAI

ClinVar aggregate classification (germline): Uncertain significance (1 of 4 stars; one submission).

Conditions:
Dilated cardiomyopathy 1R (CMD1R). Identifiers: Orphanet 154, Orphanet 54260, MedGen C3150681, MONDO:0013261, OMIM 613424.
Atrial septal defect 5 (ASD5). Identifiers: Orphanet 1478, MedGen C2748552, MONDO:0013011, OMIM 612794.
Hypertrophic cardiomyopathy 11. Also called: ACTC1-Related Familial Hypertrophic Cardiomyopathy. Identifiers: MedGen C2677506, MONDO:0012799, OMIM 612098.

Submission:

Labcorp Genetics (formerly Invitae), Labcorp
Classification: Uncertain significance for Dilated cardiomyopathy 1R; Hypertrophic cardiomyopathy 11; Atrial septal defect 5. Last evaluated: 2020-02-24. Review status: criteria provided, single submitter. Criteria: Invitae Variant Classification Sherloc (09022015). Collection method: clinical testing. Allele origin: germline.
Comment: This sequence change replaces isoleucine with serine at codon 167 of the ACTC1 protein (p.Ile167Ser). The isoleucine residue is highly conserved and there is a large physicochemical difference between isoleucine and serine. This variant is not present in population databases (ExAC no frequency). This variant has not been reported in the literature in individuals with ACTC1-related conditions. Algorithms developed to predict the effect of missense changes on protein structure and function (SIFT, PolyPhen-2, Align-GVGD) all suggest that this variant is likely to be disruptive, but these predictions have not been confirmed by published functional studies and their clinical significance is uncertain. Algorithms developed to predict the effect of sequence changes on RNA splicing suggest that this variant may create or strengthen a splice site, but this prediction has not been confirmed by published transcriptional studies. In summary, the available evidence is currently insufficient to determine the role of this variant in disease. Therefore, it has been classified as a Variant of Uncertain Significance.